The following is an entry in ClinVar:

NM_000059.4(BRCA2):c.3814A>G (p.Met1272Val)

Gene: BRCA2 (BRCA2 DNA repair associated; plus strand). Cytogenetic location: 13q13.1.
Variant type: single nucleotide variant.
Coding change: c.3814A>G on transcript NM_000059.4 (MANE Select); coding-DNA position 3814, A replaced by G.
Protein change: p.Met1272Val; replaces methionine 1272 with valine.
Molecular consequence: missense variant.
Genome position (GRCh38, 1-based): chr13:32,338,169, A>G. VCF-style: chr13-32338169-A-G. GRCh37 (hg19) VCF-style: chr13-32912306-A-G.
Other names: p.M1272V:ATG>GTG; 4042A>G; short protein forms M1272V.
Identifiers: ClinVar variation 51530 (VCV000051530.37), dbSNP rs80358624, ClinGen allele CA018861.

ClinVar aggregate classification (germline): Conflicting classifications of pathogenicity. Review status: criteria provided, conflicting classifications (1 of 4 stars). 15 submissions from 15 submitters: Uncertain significance (1); Benign (2); Likely benign (8). 4 of the submissions do not count toward it. Last evaluated 2025-12-29.

Conditions:
BRCA2-related cancer predisposition. Identifiers: MedGen CN377758, MONDO:0700269.
BRCA2-related disorder. Also called: BRCA2-related condition; BRCA2-related disorders. Identifiers: MedGen CN239275.
Hereditary cancer-predisposing syndrome. Also called: Hereditary Cancer Syndrome; Neoplastic Syndromes, Hereditary; Hereditary neoplastic syndrome; Tumor predisposition. Identifiers: Orphanet 140162, MedGen C0027672, MeSH D009386, MONDO:0015356.
Hereditary breast ovarian cancer syndrome. Also called: Hereditary breast and ovarian cancer syndrome; Breast and ovarian cancer; BRCA1- and BRCA2-Associated Hereditary Breast and Ovarian Cancer; Hereditary breast and/or ovarian cancer syndrome; Hereditary breast and ovarian cancer; Hereditary breast and ovarian cancer syndrome (HBOC). Identifiers: Orphanet 145, MedGen C0677776, MeSH D061325, MONDO:0003582. Disease mechanism: loss of function.
Breast-ovarian cancer, familial, susceptibility to, 2 (BROVCA2). Also called: BRCA2 Hereditary Breast and Ovarian Cancer. Identifiers: Orphanet 145, MedGen C2675520, MONDO:0012933, OMIM 612555. Disease mechanism: loss of function.
Malignant tumor of breast. Also called: Malignant breast neoplasm; Cancer breast. Identifiers: MedGen C0006142, MONDO:0007254. Disease mechanism: loss of function.

Allele frequency attached by ClinVar (database versions not stated): gnomAD 0.00001; gnomAD exomes 0.00001; ExAC 0.00002; TOPMed 0.00003; ESP Exome Variant Server 0.00008.

Submissions (15):

Labcorp Genetics (formerly Invitae), Labcorp
Classification: Likely benign for Hereditary breast ovarian cancer syndrome. Last evaluated: 2025-12-29. Review status: criteria provided, single submitter. Criteria: Invitae Variant Classification Sherloc (09022015). Collection method: clinical testing. Allele origin: germline.

PreventionGenetics, part of Exact Sciences
Classification: Likely benign for BRCA2-related condition. Last evaluated: 2025-11-17. Review status: criteria provided, single submitter. Criteria: ACMG Guidelines, 2015. Collection method: clinical testing. Allele origin: germline.
Comment: This variant is classified as likely benign based on ACMG/AMP sequence variant interpretation guidelines (Richards et al. 2015 PMID: 25741868, with internal and published modifications).

Women's Health and Genetics/Laboratory Corporation of America, LabCorp
Classification: Likely benign. Last evaluated: 2025-07-18. Review status: criteria provided, single submitter. Criteria: LabCorp Variant Classification Summary - May 2015. Collection method: clinical testing. Allele origin: germline.
Comment: Variant summary: BRCA2 c.3814A>G (p.Met1272Val) results in a conservative amino acid change in the encoded protein sequence. Algorithms developed to predict the effect of missense changes on protein structure and function all suggest that this variant is likely to be tolerated. The variant allele was found at a frequency of 8.8e-06 in 226788 control chromosomes. The available data on variant occurrences in the general population are insufficient to allow any conclusion about variant significance. c.3814A>G has been reported in individuals affected with and/or undergoing multigene panel testing for Breast Cancer and also in unaffected controls (e.g. Suter_2004, Kim_2006, Han_2006, Borg_2010, Zanella_2017, Momozawa_2018, Dorling_2021). These reports do not provide unequivocal conclusions about association of the variant with Hereditary Breast and Ovarian Cancer. To our knowledge, no experimental evidence demonstrating an impact on protein function has been reported. The following publications have been ascertained in the context of this evaluation (PMID: 20104584, 21520273, 17100994, 16949048, 30287823, 14973102, 28263838, 33471991). ClinVar contains an entry for this variant (Variation ID: 51530). Based on the evidence outlined above, the variant was classified as likely benign.

Molecular Pathology, Peter Maccallum Cancer Centre
Classification: Likely benign for Breast-ovarian cancer, familial, susceptibility to, 2. Last evaluated: 2025-02-18. Review status: criteria provided, single submitter. Criteria: ACMG Guidelines, 2015. Collection method: clinical testing. Allele origin: germline. Inheritance: Autosomal dominant inheritance.

Quest Diagnostics Nichols Institute San Juan Capistrano
Classification: Uncertain significance. Last evaluated: 2024-11-18. Review status: criteria provided, single submitter. Criteria: Quest Diagnostics criteria. Collection method: clinical testing. Allele origin: unknown.
Comment: The BRCA2 c.3814A>G (p.Met1272Val) variant has been reported in the published literature in individuals with breast cancer (PMIDs: 30287823 (2018), 21520273 (2011), 20104584 (2010), 17100994 (2006), 16949048 (2006), 14973102 (2004)), prostate cancer (PMID: 31214711 (2020)), and biliary tract cancer (PMID: 36243179 (2022)). This variant has also been observed in reportedly healthy individuals (PMIDs: 32467295 (2020), 33471991 (2021), see LOVD), and described to be located in a region of the BRCA2 gene that is tolerant to missense sequence changes (PMID: 31911673 (2020)). The frequency of this variant in the general population, 0.0000089 (2/225816 chromosomes (Genome Aggregation Database)), is uninformative in the assessment of its pathogenicity. Analysis of this variant using bioinformatics tools for the prediction of the effect of amino acid changes on protein structure and function yielded predictions that this variant is benign. Additional analysis using software algorithms for the prediction of the effect of nucleotide changes on BRCA2 mRNA splicing yielded predictions that this variant may result in the gain of a cryptic splice site without affecting the natural splice sites. Based on the available information, we are unable to determine the clinical significance of this variant.

All of Us Research Program, National Institutes of Health
Classification: Benign for BRCA2-related cancer predisposition. Last evaluated: 2024-07-29. Review status: criteria provided, single submitter. Criteria: ACMG Guidelines, 2015. Collection method: clinical testing. Allele origin: germline. Inheritance: Autosomal dominant inheritance. Observed: 7 variant alleles, 7 heterozygotes.
Comment: This study involves interpretation of variants in research participants for the purpose of population health screening. Participant phenotype was not available at the time of variant classification. Additional details can be found in publication PMID: 35346344, PMCID: PMC8962531

University of Washington Department of Laboratory Medicine, University of Washington
Classification: Likely benign for Hereditary cancer-predisposing syndrome. Last evaluated: 2023-03-23. Review status: criteria provided, single submitter. Criteria: Dines et al. (Genet Med. 2020). Collection method: curation. Allele origin: germline.
Comment: Missense variant in a coldspot region where missense variants are very unlikely to be pathogenic (PMID:31911673).

BRCA2 exon 11 coldspot. Reclassification based on statistical prior probability.

Mendelics
Classification: Likely benign for Breast-ovarian cancer, familial, susceptibility to, 2. Last evaluated: 2019-05-28. Review status: criteria provided, single submitter. Criteria: Mendelics Assertion Criteria 2017. Collection method: clinical testing. Allele origin: unknown.

GeneDx
Classification: Likely benign. Last evaluated: 2018-12-19. Review status: criteria provided, single submitter. Criteria: GeneDx Variant Classification Process June 2021. Collection method: clinical testing. Allele origin: germline. Affected: yes.
Comment: This variant is associated with the following publications: (PMID: 17100994, 28263838, 21520273, 14973102, 20104584, 16949048, 24817641, 30287823, 31825140)

Ambry Genetics
Classification: Likely benign for Hereditary cancer-predisposing syndrome. Last evaluated: 2018-03-20. Review status: criteria provided, single submitter. Criteria: Ambry Variant Classification Scheme 2023. Collection method: clinical testing. Allele origin: germline.

Color Diagnostics, LLC DBA Color Health
Classification: Benign for Hereditary cancer-predisposing syndrome. Last evaluated: 2017-05-02. Review status: criteria provided, single submitter. Criteria: ACMG Guidelines, 2015. Collection method: clinical testing. Allele origin: germline.

Counsyl
Classification: Uncertain significance for Breast-ovarian cancer, familial, susceptibility to, 2. Last evaluated: 2016-08-12. Review status: no assertion criteria provided. Collection method: clinical testing. Allele origin: unknown. Not counted in ClinVar's aggregate classification.

Sharing Clinical Reports Project (SCRP)
Classification: Benign for Breast-ovarian cancer, familial 2. Last evaluated: 2012-05-01. Review status: no assertion criteria provided. Collection method: clinical testing. Allele origin: germline. Not counted in ClinVar's aggregate classification.

Breast Cancer Information Core (BIC) (BRCA2)
Classification: Uncertain significance for Breast-ovarian cancer, familial 2. Last evaluated: 2004-02-20. Review status: no assertion criteria provided. Collection method: clinical testing. Allele origin: germline. Affected: yes. Observed: 3 variant alleles. Not counted in ClinVar's aggregate classification.

Department of Pathology and Laboratory Medicine, Sinai Health System
Classification: Uncertain significance for Malignant tumor of breast. Review status: no assertion criteria provided. Collection method: clinical testing. Allele origin: unknown. Affected: yes. Study: The Canadian Open Genetics Repository (COGR). Not counted in ClinVar's aggregate classification.
Comment: The BRCA2 p.Met1272Val variant was identified in 4 of 7082 proband chromosomes (frequency: 0.001) from individuals or families with hereditary breast cancer and was not identified in 653 control chromosomes from healthy individuals (Borg 2010, Capanu 2011, Han 2006, Suter 2004). The variant was also identified in dbSNP (ID: rs80358624) â€šÃ„ÃºWith other alleleâ€šÃ„Ã¹; in the Exome Variant Server project in 1 of 8585 European American alleles; the Exome Aggregation Consortium (ExAC) database (released Oct 20th, 2014) in 1 of 56282 chromosomes (frequency: 0.00001777) from a population of European (Non-Finnish) individuals, and 1 of 10174 chromosomes from a Latino population, although this low number of observations and low frequency is not substantive enough to determine the prevalence of the variant in the general population and its relationship to disease. The variant was also found in HGMD (1X as â€šÃ„Ãºunknownâ€šÃ„Ã¹), the BIC database (3X with unknown clinical importance), UMD (2X as an unknown variant) and the ClinVar database 4 times with conflicting classifications (1X as benign from the sharing clinical reports project, 1X as likely benign by GeneDx and 2X as uncertain significance (Ambry and BIC)). The p.Met1272 residue is not conserved in mammals and the variant amino acid Valine (Val) is present in rat and chickens increasing the likelihood that this variant does not have clinical significance. In addition, and computational analyses (PolyPhen-2, SIFT, AlignGVGD, BLOSUM, MutationTaster) do not suggest a high likelihood of impact to the protein. However, this information is not predictive enough to rule out pathogenicity. Of note, 4 out of 5 in-silico splicing software predict the creation of a 3' splice site, but the effect of this variant on splicing cannot be determined without further evaluation. In summary, based on the above information, the clinical significance of this variant cannot be determined with certainty at this time. This variant is classified as a variant of unknown significance.

Literature cited by the submitters: PubMed 20104584 (cited by Women's Health and Genetics/Laboratory Corporation of America, LabCorp and Quest Diagnostics Nichols Institute San Juan Capistrano); PubMed 21520273 (cited by 3 submitters); PubMed 16949048 (cited by 3 submitters); PubMed 17100994 (cited by Women's Health and Genetics/Laboratory Corporation of America, LabCorp and Quest Diagnostics Nichols Institute San Juan Capistrano); PubMed 14973102 (cited by 3 submitters); PubMed 28263838 (cited by Women's Health and Genetics/Laboratory Corporation of America, LabCorp and Quest Diagnostics Nichols Institute San Juan Capistrano); PubMed 30287823 (cited by Women's Health and Genetics/Laboratory Corporation of America, LabCorp and Quest Diagnostics Nichols Institute San Juan Capistrano); PubMed 33471991 (cited by Women's Health and Genetics/Laboratory Corporation of America, LabCorp and Quest Diagnostics Nichols Institute San Juan Capistrano); PubMed 31825140 (cited by Quest Diagnostics Nichols Institute San Juan Capistrano); PubMed 32467295 (cited by Quest Diagnostics Nichols Institute San Juan Capistrano); PubMed 24817641 (cited by Quest Diagnostics Nichols Institute San Juan Capistrano and Counsyl); PubMed 31911673 (cited by Quest Diagnostics Nichols Institute San Juan Capistrano); PubMed 31214711 (cited by Quest Diagnostics Nichols Institute San Juan Capistrano); PubMed 30630528 (cited by Quest Diagnostics Nichols Institute San Juan Capistrano); PubMed 36243179 (cited by Quest Diagnostics Nichols Institute San Juan Capistrano).